The following is an entry in ClinVar:

NM_007294.4(BRCA1):c.5467+13C>T

Gene: BRCA1 (BRCA1 DNA repair associated; minus strand). Cytogenetic location: 17q21.31.
Variant type: single nucleotide variant.
Coding change: c.5467+13C>T on transcript NM_007294.4 (MANE Select); 13 bases into the intron after coding-DNA position 5467, C replaced by T.
Molecular consequence: intron variant.
Genome position (GRCh38, 1-based): chr17:43,047,630, G>A on the plus strand (C>T on the coding strand, the complement: BRCA1 is on the minus strand). VCF-style: chr17-43047630-G-A. GRCh37 (hg19) VCF-style: chr17-41199647-G-A.
Other names: c.2014+13C>T (NM_001408458.1, NM_001408461.1, NM_001408464.1 and 7 more transcripts); c.4576+13C>T (NM_001407967.1); c.5086+13C>T (NM_001407959.1); c.5200+13C>T (NM_001407931.1, NM_001407932.1, NM_001407928.1 and 4 more transcripts); c.5323+13C>T (NM_001407747.1, NM_001407745.1, NM_001407737.1 and 18 more transcripts); c.5083+13C>T (NM_001407962.1, NM_001407960.1); c.1654+13C>T (NM_001408512.1); c.1777+13C>T (NM_001408510.1); and 83 more.
Identifiers: ClinVar variation 864889 (VCV000864889.3), dbSNP rs2050972801, ClinGen allele CA916080750.
Genomic context (GRCh38, chr17:43,047,630, plus strand): 5'-ACCAGGTAATGAGTGATAAACCAAACCCATGCAAAAGGACCCCATATAGCACAGGTACAT[G>A]CAGGCACCTTACCATGGAAGCCATTGTCCTCTGTCCAGGCATCTGGCTGCACAACCACAA-3'

Conditions:
Breast-ovarian cancer, familial, susceptibility to, 1 (BROVCA1). Also called: BRCA1 Hereditary Breast and Ovarian Cancer; OVARIAN CANCER, SUSCEPTIBILITY TO. Identifiers: Orphanet 145, MedGen C2676676, MONDO:0011450, OMIM 604370. Disease mechanism: loss of function.

Submission:

Brotman Baty Institute, University of Washington
No classification provided (evidence only). Condition: Breast-ovarian cancer, familial 1. Review status: no classification provided. Collection method: in vitro. Allele origin: not applicable. Functional consequence: functionally_normal.
ClinVar note: "not provided" was previously submitted as the classification for the variant. However, the classification appeared to be based only on an observation of functional data so it was converted to no classification on 2025-07-30.